The following is an entry in ClinVar:

NM_005557.4(KRT16):c.415G>T (p.Glu139Ter)

Gene: KRT16 (keratin 16; minus strand). Cytogenetic location: 17q21.2.
Variant type: single nucleotide variant.
Coding change: c.415G>T on transcript NM_005557.4 (MANE Select); coding-DNA position 415, G replaced by T.
Protein change: p.Glu139Ter; replaces glutamic acid 139 with a stop codon.
Molecular consequence: nonsense.
Genome position (GRCh38, 1-based): chr17:41,612,274, C>A on the plus strand (G>T on the coding strand, the complement: KRT16 is on the minus strand). VCF-style: chr17-41612274-C-A. GRCh37 (hg19) VCF-style: chr17-39768526-C-A.
Other names: short protein forms E139*.
Identifiers: ClinVar variation 4688035 (VCV004688035.1).

ClinVar aggregate classification (germline): Likely benign (1 of 4 stars; one submission).

Conditions:
Palmoplantar keratoderma, nonepidermolytic, focal 1 (FNEPPK1). Identifiers: MedGen C4552049, MONDO:0013073, OMIM 613000.

gnomAD v4.1: 2 of 1,614,040 alleles (0.00012%); highest among the groups gnomAD compares: African/African-American, 0.0013%; no homozygotes.

Submission:

Centre for Medical Genetics,  Mumbai
Classification: Likely benign for Palmoplantar keratoderma, nonepidermolytic, focal 1. Last evaluated: 2026-01-30. Review status: criteria provided, single submitter. Criteria: ACMG Guidelines, 2015. Collection method: provider interpretation. Allele origin: germline. Inheritance: Autosomal dominant inheritance. Affected: no. Observed: 1 heterozygote.
Comment: The variant satisfies PM2 criteria; Extremely low frequency in gnomAD population databases. The variant satisfies PVS1 criteria; Null variant in a gene where loss of function is a known mechanism of disease. However, the variant satisfies BS2 criteria.

Literature cited by the submitters: PubMed 8595410.